The following is an entry in ClinVar:

NM_006929.5(SKIC2):c.3373G>C (p.Asp1125His)

Gene: SKIC2 (SKI2 subunit of superkiller complex; plus strand). Cytogenetic location: 6p21.33.
Variant type: single nucleotide variant.
Coding change: c.3373G>C on transcript NM_006929.5 (MANE Select); coding-DNA position 3373, G replaced by C.
Protein change: p.Asp1125His; replaces aspartic acid 1125 with histidine.
Molecular consequence: missense variant.
Genome position (GRCh38, 1-based): chr6:31,969,063, G>C. VCF-style: chr6-31969063-G-C. GRCh37 (hg19) VCF-style: chr6-31936840-G-C.
Other names: short protein forms D1125H.
Identifiers: ClinVar variation 4764179 (VCV004764179.1).

ClinVar aggregate classification (germline): Uncertain significance (1 of 4 stars; one submission).

gnomAD v4.1: 1 of 1,611,634 alleles (0.000062%); highest among the groups gnomAD compares: Non-Finnish European, 0.000085%; no homozygotes.

Submission:

Labcorp Genetics (formerly Invitae), Labcorp
Classification: Uncertain significance. Last evaluated: 2025-10-21. Review status: criteria provided, single submitter. Criteria: Invitae Variant Classification Sherloc (09022015). Collection method: clinical testing. Allele origin: germline.
Comment: This sequence change replaces aspartic acid, which is acidic and polar, with histidine, which is basic and polar, at codon 1125 of the SKIV2L protein (p.Asp1125His). This variant is not present in population databases (gnomAD no frequency). This variant has not been reported in the literature in individuals affected with SKIV2L-related conditions. An algorithm developed to predict the effect of missense changes on protein structure and function (PolyPhen-2) suggests that this variant is likely to be disruptive. In summary, the available evidence is currently insufficient to determine the role of this variant in disease. Therefore, it has been classified as a Variant of Uncertain Significance.